The following is an entry in ClinVar:

ClinVar aggregate classification (germline): Conflicting classifications of pathogenicity. Review status: criteria provided, conflicting classifications (1 of 4 stars). 6 submissions from 5 submitters: Uncertain significance (2); Benign (1); Likely benign (1). 2 of the submissions do not count toward it. Last evaluated 2026-01-26.

Conditions:
TSHR-related disorder. Also called: TSHR-related disorders; TSHR-related condition.
Hypothyroidism due to TSH receptor mutations. Also called: HYPOTHYROIDISM DUE TO UNRESPONSIVENESS TO THYROTROPIN; HYPOTHYROIDISM, CONGENITAL, DUE TO TSH RESISTANCE; HYPOTHYROIDISM, NONAUTOIMMUNE; THYROID-STIMULATING HORMONE, RESISTANCE TO; TSH RESISTANCE; Hypothyroidism, congenital, nongoitrous, 1. Identifiers: Orphanet 90673, MedGen C3493776, MONDO:0010142, OMIM 275200.
Familial hyperthyroidism due to mutations in TSH receptor. Also called: TOXIC THYROID HYPERPLASIA, AUTOSOMAL DOMINANT; HYPERTHYROIDISM, CONGENITAL NONAUTOIMMUNE; HYPERTHYROIDISM, NONAUTOIMMUNE, AUTOSOMAL DOMINANT. Identifiers: Orphanet 424, MedGen C1836706, MONDO:0012203, OMIM 609152.

Allele frequency attached by ClinVar (database versions not stated): ExAC 0.00070; TOPMed 0.00111; gnomAD 0.00115 and 0.00122; 1000 Genomes Project 0.00120; ESP Exome Variant Server 0.00123; 1000 Genomes Project 30x 0.00125.
gnomAD v4.1: 580 of 1,614,110 alleles (0.036%); highest among the groups gnomAD compares: African/African-American, 0.39%; 2 homozygotes.

Submissions (6):

Labcorp Genetics (formerly Invitae), Labcorp
Classification: Likely benign. Last evaluated: 2026-01-26. Review status: criteria provided, single submitter. Criteria: Invitae Variant Classification Sherloc (09022015). Collection method: clinical testing. Allele origin: germline.

GeneDx
Classification: Uncertain significance. Last evaluated: 2019-07-12. Review status: criteria provided, single submitter. Criteria: GeneDx Variant Classification Process June 2021. Collection method: clinical testing. Allele origin: germline. Affected: yes.
Comment: Reported previously in published literature in the heterozygous state or in the presence of a second TSHR variant in a few unrelated individuals with thyroid disease (Castanet et al., 2005; de Filippis et al., 2017). Also reported in the published literature in the homozygous state in an unaffected individual (Nishihara et al., 2018); In silico analysis, which includes protein predictors and evolutionary conservation, supports that this variant does not alter protein structure/function; This variant is associated with the following publications: (PMID: 15547625, 28444304, 32459320)

Illumina Laboratory Services, Illumina
Classification: Benign for Familial hyperthyroidism due to mutations in TSH receptor. Last evaluated: 2018-01-13. Review status: criteria provided, single submitter. Criteria: ICSL Variant Classification Criteria 13 December 2019. Collection method: clinical testing. Allele origin: germline.
Comment: This variant was observed in the ICSL laboratory as part of a predisposition screen in an ostensibly healthy population. It had not been previously curated by ICSL or reported in the Human Gene Mutation Database (HGMD: prior to June 1st, 2018), and was therefore a candidate for classification through an automated scoring system. Utilizing variant allele frequency, disease prevalence and penetrance estimates, and inheritance mode, an automated score was calculated to assess if this variant is too frequent to cause the disease. Based on the score and internal cut-off values, a variant classified as benign is not then subjected to further curation. The score for this variant resulted in a classification of benign for this disease.

Illumina Laboratory Services, Illumina
Classification: Uncertain significance for Hypothyroidism due to TSH receptor mutations. Last evaluated: 2018-01-13. Review status: criteria provided, single submitter. Criteria: ICSL Variant Classification Criteria 13 December 2019. Collection method: clinical testing. Allele origin: germline.

PreventionGenetics, part of Exact Sciences
Classification: Likely benign for TSHR-related condition. Last evaluated: 2024-01-05. Review status: no assertion criteria provided. Collection method: clinical testing. Allele origin: germline. Not counted in ClinVar's aggregate classification.
Comment: This variant is classified as likely benign based on ACMG/AMP sequence variant interpretation guidelines (Richards et al. 2015 PMID: 25741868, with internal and published modifications).

ITMI
No classification provided. Condition: AllHighlyPenetrant. Last evaluated: 2013-09-19. Review status: no classification provided. Collection method: reference population. Allele origin: germline. Not counted in ClinVar's aggregate classification.
Comment: Please see associated publication for description of ethnicities

Literature cited by the submitters: PubMed 24728327 (cited by ITMI).

NM_000369.5(TSHR):c.929G>A (p.Arg310His)

Genes: TSHR (thyroid stimulating hormone receptor; plus strand), TSHR-AS1 (TSHR antisense RNA 1; minus strand). Cytogenetic location: 14q31.1.
Variant type: single nucleotide variant.
Coding change: c.929G>A on transcript NM_000369.5 (MANE Select); coding-DNA position 929, G replaced by A.
Protein change: p.Arg310His; replaces arginine 310 with histidine.
Molecular consequence: missense variant.
Genome position (GRCh38, 1-based): chr14:81,142,987, G>A. VCF-style: chr14-81142987-G-A. GRCh37 (hg19) VCF-style: chr14-81609331-G-A.
Other names: short protein forms R310H.
Identifiers: ClinVar variation 135401 (VCV000135401.16), dbSNP rs139286618, ClinGen allele CA162652.